The following is an entry in ClinVar:

ClinVar aggregate classification (germline): Uncertain significance. Review status: criteria provided, multiple submitters, no conflicts (2 of 4 stars). 3 submissions from 3 submitters: Uncertain significance (3). Last evaluated 2025-09-01.

Conditions:
Inborn genetic diseases. Identifiers: MedGen C0950123, MeSH D030342.
Vici syndrome (VICIS). Identifiers: Orphanet 1493, MedGen C1855772, MONDO:0009452, OMIM 242840.

gnomAD v4.1: 141 of 1,613,998 alleles (0.0087%); highest among the groups gnomAD compares: East Asian, 0.2%; 1 homozygote.

Submissions (3):

CeGaT Center for Human Genetics Tuebingen
Classification: Uncertain significance. Last evaluated: 2025-09-01. Review status: criteria provided, single submitter. Criteria: CeGaT Center For Human Genetics Tuebingen Variant Classification Criteria Version 2. Collection method: clinical testing. Allele origin: germline. Affected: yes. Observed: 1 variant allele.
Comment: EPG5: PM2

Ambry Genetics
Classification: Uncertain significance for Inborn genetic diseases. Last evaluated: 2025-08-10. Review status: criteria provided, single submitter. Criteria: Ambry Variant Classification Scheme 2023. Collection method: clinical testing. Allele origin: germline.

Labcorp Genetics (formerly Invitae), Labcorp
Classification: Uncertain significance for Vici syndrome. Last evaluated: 2022-03-31. Review status: criteria provided, single submitter. Criteria: Invitae Variant Classification Sherloc (09022015). Collection method: clinical testing. Allele origin: germline.
Comment: This sequence change replaces arginine, which is basic and polar, with tryptophan, which is neutral and slightly polar, at codon 1203 of the EPG5 protein (p.Arg1203Trp). The frequency data for this variant in the population databases is considered unreliable, as metrics indicate poor data quality at this position in the gnomAD database. This variant has not been reported in the literature in individuals affected with EPG5-related conditions. Algorithms developed to predict the effect of missense changes on protein structure and function are either unavailable or do not agree on the potential impact of this missense change (SIFT: "Deleterious"; PolyPhen-2: "Probably Damaging"; Align-GVGD: "Class C0"). In summary, the available evidence is currently insufficient to determine the role of this variant in disease. Therefore, it has been classified as a Variant of Uncertain Significance.

NM_020964.3(EPG5):c.3607C>T (p.Arg1203Trp)

Gene: EPG5 (ectopic P-granules 5 autophagy tethering factor; minus strand). Cytogenetic location: 18q21.1.
Variant type: single nucleotide variant.
Coding change: c.3607C>T on transcript NM_020964.3 (MANE Select); coding-DNA position 3607, C replaced by T.
Protein change: p.Arg1203Trp; replaces arginine 1203 with tryptophan.
Molecular consequence: missense variant.
Genome position (GRCh38, 1-based): chr18:45,915,597, G>A on the plus strand (C>T on the coding strand, the complement: EPG5 is on the minus strand). VCF-style: chr18-45915597-G-A. GRCh37 (hg19) VCF-style: chr18-43495562-G-A.
Other names: c.3607C>T (NM_020964.2); short protein forms R1203W.
Identifiers: ClinVar variation 1364232 (VCV001364232.30), dbSNP rs764221778, ClinGen allele CA8949119.
Genomic context (GRCh38, chr18:45,915,597, plus strand): 5'-CAAAGGAAGGAGTGATGTTGCCTGCCACAATCCAGCTTACCAAAGATGAGAGCAGACTCC[G>A]GTCACAGTGGTAACCCAAGGCATTCTACACCGGGAGATGTGGAGCAGAGAGAGGAGGTTT-3'
Protein context (NP_066015.2, residues 1193-1213): HKNALGYHCD[Arg1203Trp]SLLSSLVSWI